The following is an entry in ClinVar:

ClinVar aggregate classification (germline): Uncertain significance. Review status: criteria provided, multiple submitters, no conflicts (2 of 4 stars). 2 submissions from 2 submitters: Uncertain significance (2). Last evaluated 2026-09-02.

Conditions:
RASopathy. Also called: Noonan spectrum disorder; rasopathies. Identifiers: Orphanet 536391, MedGen C5555857, MONDO:0021060.
Cardiovascular phenotype. Identifiers: MedGen CN230736.

Allele frequency attached by ClinVar (database versions not stated): gnomAD 0.00001; TOPMed 0.00001; gnomAD exomes 0.00003.
gnomAD v4.1: 45 of 1,609,938 alleles (0.0028%); highest among the groups gnomAD compares: Non-Finnish European, 0.0037%; no homozygotes.

Submissions (2):

Ambry Genetics
Classification: Uncertain significance for Cardiovascular phenotype. Last evaluated: 2026-09-02. Review status: criteria provided, single submitter. Criteria: Ambry Variant Classification Scheme 2023. Collection method: clinical testing. Allele origin: germline.

Labcorp Genetics (formerly Invitae), Labcorp
Classification: Uncertain significance for RASopathy. Last evaluated: 2025-09-23. Review status: criteria provided, single submitter. Criteria: Invitae Variant Classification Sherloc (09022015). Collection method: clinical testing. Allele origin: germline.
Comment: This sequence change replaces cysteine, which is neutral and slightly polar, with tyrosine, which is neutral and polar, at codon 238 of the SHOC2 protein (p.Cys238Tyr). This variant is not present in population databases (gnomAD no frequency). This variant has not been reported in the literature in individuals affected with SHOC2-related conditions. ClinVar contains an entry for this variant (Variation ID: 2714748). Invitae Evidence Modeling of protein sequence and biophysical properties (such as structural, functional, and spatial information, amino acid conservation, physicochemical variation, residue mobility, and thermodynamic stability) indicates that this missense variant is not expected to disrupt SHOC2 protein function with a negative predictive value of 80%. In summary, the available evidence is currently insufficient to determine the role of this variant in disease. Therefore, it has been classified as a Variant of Uncertain Significance.

NM_007373.4(SHOC2):c.713G>A (p.Cys238Tyr)

Gene: SHOC2 (SHOC2 leucine rich repeat scaffold protein; plus strand). Cytogenetic location: 10q25.2.
Variant type: single nucleotide variant.
Coding change: c.713G>A on transcript NM_007373.4 (MANE Select); coding-DNA position 713, G replaced by A.
Protein change: p.Cys238Tyr; replaces cysteine 238 with tyrosine.
Molecular consequence: missense variant. On other transcripts: non-coding transcript variant (1), intron variant (1).
Genome position (GRCh38, 1-based): chr10:110,985,637, G>A. VCF-style: chr10-110985637-G-A. GRCh37 (hg19) VCF-style: chr10-112745395-G-A.
Other names: c.713G>A, p.Cys238Tyr (NM_001324336.2, NM_001324337.2); c.704-14778G>A (NM_001269039.3); short protein forms C238Y.
Identifiers: ClinVar variation 2714748 (VCV002714748.5), dbSNP rs1404775726, ClinGen allele CA378391315.